The following is an entry in ClinVar:

ClinVar aggregate classification (germline): Uncertain significance (1 of 4 stars; one submission).

gnomAD v4.1: 5 of 1,613,886 alleles (0.00031%); highest among the groups gnomAD compares: Admixed American, 0.005%; 1 homozygote.

Submission:

Labcorp Genetics (formerly Invitae), Labcorp
Classification: Uncertain significance. Last evaluated: 2024-07-23. Review status: criteria provided, single submitter. Criteria: Invitae Variant Classification Sherloc (09022015). Collection method: clinical testing. Allele origin: germline.
Comment: This sequence change replaces glycine, which is neutral and non-polar, with cysteine, which is neutral and slightly polar, at codon 84 of the CRYM protein (p.Gly84Cys). This variant is present in population databases (rs138677668, gnomAD 0.0009%). This variant has not been reported in the literature in individuals affected with CRYM-related conditions. Advanced modeling of protein sequence and biophysical properties (such as structural, functional, and spatial information, amino acid conservation, physicochemical variation, residue mobility, and thermodynamic stability) performed at Invitae indicates that this missense variant is not expected to disrupt CRYM protein function with a negative predictive value of 80%. In summary, the available evidence is currently insufficient to determine the role of this variant in disease. Therefore, it has been classified as a Variant of Uncertain Significance.

NM_001376256.1(CRYM):c.250G>T (p.Gly84Cys)

Gene: CRYM (crystallin mu; minus strand). Cytogenetic location: 16p12.2.
Variant type: single nucleotide variant.
Coding change: c.250G>T on transcript NM_001376256.1 (MANE Select); coding-DNA position 250, G replaced by T.
Protein change: p.Gly84Cys; replaces glycine 84 with cysteine.
Molecular consequence: missense variant.
Genome position (GRCh38, 1-based): chr16:21,277,505, C>A on the plus strand (G>T on the coding strand, the complement: CRYM is on the minus strand). VCF-style: chr16-21277505-C-A. GRCh37 (hg19) VCF-style: chr16-21288826-C-A.
Other names: c.250G>T, p.Gly84Cys (NM_001888.5); short protein forms G84C.
Identifiers: ClinVar variation 3715683 (VCV003715683.2).